The following is an entry in ClinVar:

NM_000152.5(GAA):c.1537G>A (p.Asp513Asn)

Gene: GAA (alpha glucosidase; plus strand). Cytogenetic location: 17q25.3.
Variant type: single nucleotide variant.
Coding change: c.1537G>A on transcript NM_000152.5 (MANE Select); coding-DNA position 1537, G replaced by A.
Protein change: p.Asp513Asn; replaces aspartic acid 513 with asparagine.
Molecular consequence: missense variant.
Genome position (GRCh38, 1-based): chr17:80,110,826, G>A. VCF-style: chr17-80110826-G-A. GRCh37 (hg19) VCF-style: chr17-78084625-G-A.
Other names: NM_000152.5(GAA):c.1537G>A; c.1537G>A, p.Asp513Asn (NM_001079803.3, NM_001079804.3); short protein forms D513N.
Identifiers: ClinVar variation 960182 (VCV000960182.22), dbSNP rs748047271, ClinGen allele CA8815361.

ClinVar aggregate classification (germline): Likely pathogenic. Review status: reviewed by expert panel (3 of 4 stars). 8 submissions from 8 submitters: Likely pathogenic (1). 7 of the submissions do not count toward it. Last evaluated 2023-07-18.

Conditions:
Glycogen storage disease, type II (IOPD). Also called: POMPE DISEASE, INFANTILE-ONSET; GLYCOGEN STORAGE DISEASE II, INFANTILE-ONSET; ACID ALPHA-GLUCOSIDASE DEFICIENCY, INFANTILE-ONSET; GAA DEFICIENCY, INFANTILE-ONSET; ACID MALTASE DEFICIENCY, INFANTILE-ONSET; GLYCOGENOSIS, GENERALIZED, CARDIAC FORM. Identifiers: Orphanet 365, MedGen C0017921, MONDO:0009290, OMIM 232300.

Allele frequency attached by ClinVar (database versions not stated): gnomAD 0.00001; gnomAD exomes 0.00001; TOPMed 0.00001; ExAC 0.00002.
gnomAD v4.1: 11 of 1,613,996 alleles (0.00068%); highest among the groups gnomAD compares: Middle Eastern, 0.016%; no homozygotes.

Submissions (8):

ClinGen Lysosomal Storage Disorder Variant Curation Expert Panel
Classification: Likely pathogenic for Glycogen storage disease, type II. Last evaluated: 2023-07-18. Review status: reviewed by expert panel. Criteria: clingen_lsd_acmg_specifications_v2-1. Collection method: curation. Allele origin: germline. Inheritance: Autosomal recessive inheritance.
Comment: The NM_000152.5: c.1537G>A variant in GAA is a missense variant predicted to cause substitution of aspartic acid by asparagine at amino acid 513 (p.Asp513Asn). This variant has been detected in at least five individuals with Pompe disease. One patient of late-onset Pompe disease had documented GAA deficiency as 8.7% of the normal control level of GAA activity (PMID 33301762). Three siblings from one family had documented reduced GAA enzyme activity within the deficient range (clinical laboratory data). Patient(s) with this variant had documented in a Pompe Registry with the onset of symptoms less than 12 years of age (PMID 31342611). (PP4_Moderate). Of those individuals, one individual was homozygous for the variant, and three siblings were compound heterozygous for the variant and the pathogenic c.-32-13T>G variant (PM3 2.0 points, PMID 33301762, clinical laboratory data) (PM3_Strong). The highest population minor allele frequency in gnomAD v2.1.1 is 0.00006533 (2/30616 alleles) in the South Asian population, which is lower than the ClinGen LSD VCEP’s threshold for PM2_Supporting (<0.001), meeting this criterion (PM2_Supporting). The computational predictor REVEL gives a score of 0.861 which is above the threshold of 0.7, evidence that correlates with impact on GAA function (PP3). Another missense variant c.1538A>G (p.Asp513Gly) (PMID 31510962, 33560568; ClinVar Variation ID: 638014) in the same codon has been classified as likely pathogenic for Pompe disease by the ClinGen LSD VCEP (PM5_Supporting). There is a ClinVar entry for this variant (Variation ID: 960182). In summary, this variant meets the criteria to be classified as likely pathogenic for Pompe disease. GAA-specific ACMG/AMP criteria applied, as specified by the ClinGen LSD VCEP (specifications version 2.0): PP4_Moderate, PM3_Strong, PM2_Supporting, PP3, PM5_Supporting. (Classification approved by the ClinGen Lysosomal Diseases VCEP on July 18, 2023).

Genomenon, Inc
Classification: Uncertain significance for Glycogen storage disease, type II. Last evaluated: 2026-07-01. Review status: criteria provided, single submitter. Criteria: Genomenon Sequence Variant Interpretation Standards - Updated. Collection method: curation. Allele origin: germline. Affected: yes. Not counted in ClinVar's aggregate classification.
Comment: GAA p.Asp513Asn (c.1537G>A) is a missense variant that changes the amino acid at codon 513 from Aspartic acid to Asparagine. This variant has been observed in at least one proband with a GAA-related disorder in the compound heterozygous and/or homozygous state (PMID:33301762). It is absent or not present at a significant frequency in gnomAD. In silico models predict that this variant is possibly or probably damaging. In conclusion, we classify GAA p.Asp513Asn (c.1537G>A) as a variant of uncertain significance.

Natera, Inc.
Classification: Likely pathogenic for Glycogen storage disease type II. Last evaluated: 2026-01-20. Review status: criteria provided, single submitter. Criteria: Natera Variant Classification Schema (03/2026). Collection method: clinical testing. Allele origin: germline. Not counted in ClinVar's aggregate classification.
Comment: The c.1537G>A variant in GAA is a missense variant predicted to cause substitution of aspartic acid to asparagine at amino acid 513. This variant is rare in the general population with a frequency below the threshold expected for the associated phenotype(s). This variant has been observed in one or more individuals affected with the associated recessive disease, as either homozygous or compound heterozygous with a second variant (PMID: 33301762). This variant has been identified in one or more affected individual with a phenotype highly consistent with the associated gene (PMID: 33301762). Functional studies show that this variant may disrupt protein function (PMID: 33301762). A different variant at the same position has been determined to be Pathogenic or Likely Pathogenic. Computational prediction algorithms indicate this variant is likely to affect gene or protein function. Given the available evidence, this variant is classified as Likely Pathogenic.

Labcorp Genetics (formerly Invitae), Labcorp
Classification: Pathogenic for Glycogen storage disease, type II. Last evaluated: 2025-11-28. Review status: criteria provided, single submitter. Criteria: Invitae Variant Classification Sherloc (09022015). Collection method: clinical testing. Allele origin: germline. Not counted in ClinVar's aggregate classification.
Comment: This sequence change replaces aspartic acid, which is acidic and polar, with asparagine, which is neutral and polar, at codon 513 of the GAA protein (p.Asp513Asn). This variant is present in population databases (rs748047271, gnomAD 0.006%). This missense change has been observed in individual(s) with Pompe disease (PMID: 33301762). ClinVar contains an entry for this variant (Variation ID: 960182). Invitae Evidence Modeling of protein sequence and biophysical properties (such as structural, functional, and spatial information, amino acid conservation, physicochemical variation, residue mobility, and thermodynamic stability) indicates that this missense variant is expected to disrupt GAA protein function with a positive predictive value of 95%. For these reasons, this variant has been classified as Pathogenic.

Victorian Clinical Genetics Services, Murdoch Childrens Research Institute
Classification: Likely pathogenic for Glycogen storage disease, type II. Last evaluated: 2025-02-20. Review status: criteria provided, single submitter. Criteria: ACMG Guidelines, 2015. Collection method: clinical testing. Allele origin: germline. Not counted in ClinVar's aggregate classification.
Comment: This variant is classified as Likely pathogenic. Evidence in support of pathogenic classification: Variant is present in gnomAD <0.01 for a recessive condition (v4: 11 heterozygote(s), 0 homozygote(s)); This variant has strong previous evidence of pathogenicity in unrelated individuals. It has been classified as likely pathogenic by the ClinGen Lysosomal Storage Disorder Variant Curation Expert Panel in ClinVar. This variant has also been reported in two unrelated individuals with early onset Pompe disease (PMID: 3134261, 33301762). Additional information: Variant is predicted to result in a missense amino acid change from aspartic acid to asparagine; This variant is heterozygous; This gene is associated with autosomal recessive disease; Loss of function is a known mechanism of disease in this gene and is associated with glycogen storage disease II (MIM#232300).

Genome-Nilou Lab
Classification: Uncertain significance for Glycogen storage disease, type II. Last evaluated: 2021-07-22. Review status: criteria provided, single submitter. Criteria: ACMG Guidelines, 2015. Collection method: clinical testing. Allele origin: germline. Affected: no. Not counted in ClinVar's aggregate classification.

Mayo Clinic Laboratories, Mayo Clinic
Classification: Likely pathogenic. Last evaluated: 2020-07-08. Review status: criteria provided, single submitter. Criteria: ACMG Guidelines, 2015. Collection method: clinical testing. Allele origin: germline. Observed: 1 variant allele. Not counted in ClinVar's aggregate classification.
Comment: PM2, PM5, PS3, PP3

Blueprint Genetics
Classification: Uncertain significance. Last evaluated: 2018-12-19. Review status: criteria provided, single submitter. Criteria: ACMG Guidelines, 2015. Collection method: clinical testing. Allele origin: germline. Not counted in ClinVar's aggregate classification.

Literature cited by the submitters: PubMed 33301762 (cited by 4 submitters); PubMed 3134261 (cited by Victorian Clinical Genetics Services, Murdoch Childrens Research Institute); PubMed 31510962 (cited by Mayo Clinic Laboratories, Mayo Clinic).